The following is an entry in ClinVar:

ClinVar aggregate classification (germline): Uncertain significance (0 of 4 stars; one submission).

Submission:

Richard Lifton Laboratory, Yale University School of Medicine
Classification: Uncertain significance. Review status: no assertion criteria provided. Collection method: not provided. Allele origin: somatic.
Comment: TNFRSF14
ClinVar note: Converted during submission from unknown to Uncertain significance.

NM_003820.4(TNFRSF14):c.558C>G (p.Ser186Arg)

Gene: TNFRSF14 (TNF receptor superfamily member 14; plus strand). Cytogenetic location: 1p36.32.
Variant type: single nucleotide variant.
Coding change: c.558C>G on transcript NM_003820.4 (MANE Select); coding-DNA position 558, C replaced by G.
Protein change: p.Ser186Arg; replaces serine 186 with arginine.
Molecular consequence: missense variant. On other transcripts: intron variant (1).
Genome position (GRCh38, 1-based): chr1:2,561,679, C>G. VCF-style: chr1-2561679-C-G. GRCh37 (hg19) VCF-style: chr1-2493118-C-G.
Other names: c.551+965C>G (NM_001297605.2); short protein forms S186R.
Identifiers: ClinVar variation 91954 (VCV000091954.2), dbSNP rs386352373, ClinGen allele CA232233.